The following is an entry in ClinVar:

ClinVar aggregate classification (germline): Uncertain significance. Review status: criteria provided, multiple submitters, no conflicts (2 of 4 stars). 2 submissions from 2 submitters: Uncertain significance (2). Last evaluated 2024-02-17.

Conditions:
Inborn genetic diseases. Identifiers: MedGen C0950123, MeSH D030342.

Allele frequency attached by ClinVar (database versions not stated): ESP Exome Variant Server 0.00008.
gnomAD v4.1: 51 of 1,614,122 alleles (0.0032%); highest among the groups gnomAD compares: East Asian, 0.0067%; no homozygotes.

Submissions (2):

Labcorp Genetics (formerly Invitae), Labcorp
Classification: Uncertain significance. Last evaluated: 2024-02-17. Review status: criteria provided, single submitter. Criteria: Invitae Variant Classification Sherloc (09022015). Collection method: clinical testing. Allele origin: germline.
Comment: This sequence change replaces aspartic acid, which is acidic and polar, with asparagine, which is neutral and polar, at codon 117 of the COL4A2 protein (p.Asp117Asn). This variant is present in population databases (rs374976511, gnomAD 0.009%). This variant has not been reported in the literature in individuals affected with COL4A2-related conditions. ClinVar contains an entry for this variant (Variation ID: 1359173). Advanced modeling of protein sequence and biophysical properties (such as structural, functional, and spatial information, amino acid conservation, physicochemical variation, residue mobility, and thermodynamic stability) performed at Invitae indicates that this missense variant is not expected to disrupt COL4A2 protein function with a negative predictive value of 95%. In summary, the available evidence is currently insufficient to determine the role of this variant in disease. Therefore, it has been classified as a Variant of Uncertain Significance.

Ambry Genetics
Classification: Uncertain significance for Inborn genetic diseases. Last evaluated: 2023-09-13. Review status: criteria provided, single submitter. Criteria: Ambry Variant Classification Scheme 2023. Collection method: clinical testing. Allele origin: germline.

NM_001846.4(COL4A2):c.349G>A (p.Asp117Asn)

Gene: COL4A2 (collagen type IV alpha 2 chain; plus strand). Cytogenetic location: 13q34.
Variant type: single nucleotide variant.
Coding change: c.349G>A on transcript NM_001846.4 (MANE Select); coding-DNA position 349, G replaced by A.
Protein change: p.Asp117Asn; replaces aspartic acid 117 with asparagine.
Molecular consequence: missense variant.
Genome position (GRCh38, 1-based): chr13:110,424,986, G>A. VCF-style: chr13-110424986-G-A. GRCh37 (hg19) VCF-style: chr13-111077333-G-A.
Other names: c.349G>A (NM_001846.2); short protein forms D117N.
Identifiers: ClinVar variation 1359173 (VCV001359173.8), dbSNP rs374976511, ClinGen allele CA7048853.